The following is an entry in ClinVar:

ClinVar aggregate classification (germline): Uncertain significance (1 of 4 stars; one submission).

Conditions:
Hereditary spastic paraplegia 4. Also called: Spastic paraplegia 4, autosomal dominant; Spastic Paraplegia 4; Familial spastic paraplegia autosomal dominant 2. Identifiers: Orphanet 100985, MedGen C1866855, MONDO:0008438, OMIM 182601.

Submission:

Labcorp Genetics (formerly Invitae), Labcorp
Classification: Uncertain significance for Hereditary spastic paraplegia 4. Last evaluated: 2025-08-25. Review status: criteria provided, single submitter. Criteria: Invitae Variant Classification Sherloc (09022015). Collection method: clinical testing. Allele origin: germline.
Comment: This sequence change replaces leucine, which is neutral and non-polar, with phenylalanine, which is neutral and non-polar, at codon 379 of the SPAST protein (p.Leu379Phe). This variant is not present in population databases (gnomAD no frequency). This variant has not been reported in the literature in individuals affected with SPAST-related conditions. Invitae Evidence Modeling of protein sequence and biophysical properties (such as structural, functional, and spatial information, amino acid conservation, physicochemical variation, residue mobility, and thermodynamic stability) indicates that this missense variant is expected to disrupt SPAST protein function with a positive predictive value of 80%. In summary, the available evidence is currently insufficient to determine the role of this variant in disease. Therefore, it has been classified as a Variant of Uncertain Significance.

NM_014946.4(SPAST):c.1137A>C (p.Leu379Phe)

Gene: SPAST (spastin; plus strand). Cytogenetic location: 2p22.3.
Variant type: single nucleotide variant.
Coding change: c.1137A>C on transcript NM_014946.4 (MANE Select); coding-DNA position 1137, A replaced by C.
Protein change: p.Leu379Phe; replaces leucine 379 with phenylalanine.
Molecular consequence: missense variant.
Genome position (GRCh38, 1-based): chr2:32,126,986, A>C. VCF-style: chr2-32126986-A-C. GRCh37 (hg19) VCF-style: chr2-32352055-A-C.
Other names: c.1041A>C, p.Leu347Phe (NM_199436.2, NM_001377959.1); c.1134A>C, p.Leu378Phe (NM_001363823.2); c.1038A>C, p.Leu346Phe (NM_001363875.2); short protein forms L379F, L346F, L347F, L378F.
Identifiers: ClinVar variation 4740768 (VCV004740768.1).